The following is an entry in ClinVar:

ClinVar aggregate classification (germline): Benign/Likely benign. Review status: criteria provided, multiple submitters, no conflicts (2 of 4 stars). 8 submissions from 8 submitters: Benign (4); Likely benign (1). 3 of the submissions do not count toward it. Last evaluated 2026-04-24.

Conditions:
Pontocerebellar hypoplasia type 6 (PCH6). Identifiers: Orphanet 166073, MedGen C1969084, MONDO:0012683, OMIM 611523.

Allele frequency attached by ClinVar (database versions not stated): gnomAD exomes 0.07808 and 0.08245; ExAC 0.08462; TOPMed 0.08912; gnomAD 0.09084 and 0.09110; ESP Exome Variant Server 0.09325; 1000 Genomes Project 0.09844; 1000 Genomes Project 30x 0.10041.
gnomAD v4.1: 123,480 of 1,555,026 alleles (7.9%); highest among the groups gnomAD compares: African/African-American, 12%; 5,139 homozygotes.

Submissions (8):

Women's Health and Genetics/Laboratory Corporation of America, LabCorp
Classification: Likely benign. Last evaluated: 2026-04-24. Review status: criteria provided, single submitter. Criteria: LabCorp Variant Classification Summary - May 2015. Collection method: clinical testing. Allele origin: germline.

Labcorp Genetics (formerly Invitae), Labcorp
Classification: Benign. Last evaluated: 2026-02-04. Review status: criteria provided, single submitter. Criteria: Invitae Variant Classification Sherloc (09022015). Collection method: clinical testing. Allele origin: germline.

Genome-Nilou Lab
Classification: Benign for Pontocerebellar hypoplasia type 6. Last evaluated: 2021-07-10. Review status: criteria provided, single submitter. Criteria: ACMG Guidelines, 2015. Collection method: clinical testing. Allele origin: germline. Affected: no.

Illumina Laboratory Services, Illumina
Classification: Benign for Pontocerebellar hypoplasia type 6. Last evaluated: 2018-01-13. Review status: criteria provided, single submitter. Criteria: ICSL Variant Classification Criteria 13 December 2019. Collection method: clinical testing. Allele origin: germline.
Comment: This variant was observed in the ICSL laboratory as part of a predisposition screen in an ostensibly healthy population. It had not been previously curated by ICSL or reported in the Human Gene Mutation Database (HGMD: prior to June 1st, 2018), and was therefore a candidate for classification through an automated scoring system. Utilizing variant allele frequency, disease prevalence and penetrance estimates, and inheritance mode, an automated score was calculated to assess if this variant is too frequent to cause the disease. Based on the score and internal cut-off values, a variant classified as benign is not then subjected to further curation. The score for this variant resulted in a classification of benign for this disease.

GeneDx
Classification: Benign. Last evaluated: 2015-03-03. Review status: criteria provided, single submitter. Criteria: GeneDx Variant Classification Process June 2021. Collection method: clinical testing. Allele origin: germline. Affected: yes.

Natera, Inc.
Classification: Benign for Pontocerebellar hypoplasia, type 6. Last evaluated: 2019-11-21. Review status: no assertion criteria provided. Collection method: clinical testing. Allele origin: germline. Not counted in ClinVar's aggregate classification.

Mayo Clinic Laboratories, Mayo Clinic
Classification: Benign. Last evaluated: 2016-02-22. Review status: no assertion criteria provided. Collection method: clinical testing. Allele origin: unknown. Not counted in ClinVar's aggregate classification.

Genetic Services Laboratory, University of Chicago
Classification: Likely benign for AllHighlyPenetrant. Review status: no assertion criteria provided. Collection method: clinical testing. Allele origin: germline. Inheritance: Autosomal recessive inheritance. Not counted in ClinVar's aggregate classification.
Comment: Likely benign based on allele frequency in 1000 Genomes Project or ESP global frequency and its presence in a patient with a rare or unrelated disease phenotype. NOT Sanger confirmed.

NM_020320.5(RARS2):c.872A>G (p.Lys291Arg)

Gene: RARS2 (arginyl-tRNA synthetase 2, mitochondrial; minus strand). Cytogenetic location: 6q15.
Variant type: single nucleotide variant.
Coding change: c.872A>G on transcript NM_020320.5 (MANE Select); coding-DNA position 872, A replaced by G.
Protein change: p.Lys291Arg; replaces lysine 291 with arginine.
Molecular consequence: missense variant. On other transcripts: non-coding transcript variant (23).
Genome position (GRCh38, 1-based): chr6:87,529,548, T>C on the plus strand (A>G on the coding strand, the complement: RARS2 is on the minus strand). VCF-style: chr6-87529548-T-C. GRCh37 (hg19) VCF-style: chr6-88239266-T-C.
Other names: c.347A>G, p.Lys116Arg (NM_001318785.2, NM_001350506.2, NM_001350507.2 and 4 more transcripts); c.872A>G, p.Lys291Arg (NM_001350505.2); short protein forms K291R, K116R.
Identifiers: ClinVar variation 130099 (VCV000130099.31), dbSNP rs17850652, ClinGen allele CA154886.